The following is an entry in ClinVar:

NM_000135.4(FANCA):c.3655G>A (p.Ala1219Thr)

Gene: FANCA (FA complementation group A; minus strand). Cytogenetic location: 16q24.3.
Variant type: single nucleotide variant.
Coding change: c.3655G>A on transcript NM_000135.4 (MANE Select); coding-DNA position 3655, G replaced by A.
Protein change: p.Ala1219Thr; replaces alanine 1219 with threonine.
Molecular consequence: missense variant.
Genome position (GRCh38, 1-based): chr16:89,742,910, C>T on the plus strand (G>A on the coding strand, the complement: FANCA is on the minus strand). VCF-style: chr16-89742910-C-T. GRCh37 (hg19) VCF-style: chr16-89809318-C-T.
Other names: c.3655G>A (LRG_495t1); c.3655G>A, p.Ala1219Thr (NM_001286167.3); short protein forms A1219T.
Identifiers: ClinVar variation 424318 (VCV000424318.2), dbSNP rs1064796909, ClinGen allele CA16620312.

ClinVar aggregate classification (germline): Uncertain significance (1 of 4 stars; one submission).

Submission:

GeneDx
Classification: Uncertain significance. Last evaluated: 2017-04-03. Review status: criteria provided, single submitter. Criteria: GeneDx Variant Classification (06012015). Collection method: clinical testing. Allele origin: germline. Affected: yes.
Comment: The A1219T variant in the FANCA gene has not been reported previously as a pathogenic variant, nor as a benign variant, to our knowledge. The A1219T variant is not observed in large population cohorts (Lek et al., 2016; 1000 Genomes Consortium et al., 2015; Exome Variant Server). The A1219T variant is a non-conservative amino acid substitution, which is likely to impact secondary protein structure as these residues differ in polarity, charge, size and/or other properties. This substitution occurs at a position that is not conserved. In silico analysis predicts this variant likely does not alter the protein structure/function. We interpret A1219T as a variant of uncertain significance.